The following is an entry in ClinVar:

ClinVar aggregate classification (germline): Uncertain significance (1 of 4 stars; one submission).

Conditions:
Hereditary cancer-predisposing syndrome. Also called: Tumor predisposition; Hereditary neoplastic syndrome; Hereditary Cancer Syndrome; Neoplastic Syndromes, Hereditary. Identifiers: Orphanet 140162, MedGen C0027672, MeSH D009386, MONDO:0015356.

Submission:

Ambry Genetics
Classification: Uncertain significance for Hereditary cancer-predisposing syndrome. Last evaluated: 2024-02-28. Review status: criteria provided, single submitter. Criteria: Ambry Variant Classification Scheme 2023. Collection method: clinical testing. Allele origin: germline.
Comment: The p.V157L variant (also known as c.469G>C), located in coding exon 4 of the CDH1 gene, results from a G to C substitution at nucleotide position 469. The valine at codon 157 is replaced by leucine, an amino acid with highly similar properties. This amino acid position is highly conserved in available vertebrate species. In addition, the in silico prediction for this alteration is inconclusive. Based on the available evidence, the clinical significance of this alteration remains unclear.

NM_004360.5(CDH1):c.469G>C (p.Val157Leu)

Gene: CDH1 (cadherin 1; plus strand). Cytogenetic location: 16q22.1.
Variant type: single nucleotide variant.
Coding change: c.469G>C on transcript NM_004360.5 (MANE Select); coding-DNA position 469, G replaced by C.
Protein change: p.Val157Leu; replaces valine 157 with leucine.
Molecular consequence: missense variant. On other transcripts: 5 prime UTR variant (2).
Genome position (GRCh38, 1-based): chr16:68,808,505, G>C. VCF-style: chr16-68808505-G-C. GRCh37 (hg19) VCF-style: chr16-68842408-G-C.
Other names: c.469G>C, p.Val157Leu (NM_001317184.2); c.-1147G>C (NM_001317185.2); c.-1351G>C (NM_001317186.2); short protein forms V157L.
Identifiers: ClinVar variation 3224184 (VCV003224184.1), dbSNP rs1960728608, ClinGen allele CA396457687.